The following is an entry in ClinVar:

ClinVar aggregate classification (germline): Uncertain significance (1 of 4 stars; one submission).

Conditions:
Congenital myasthenic syndrome 10. Also called: Myasthenia, limb-girdle, familial. Identifiers: Orphanet 590, MedGen C1850792, MONDO:0009690, OMIM 254300.
Fetal akinesia deformation sequence 1 (FADS1). Also called: Fetal akinesia sequence; Pena-Shokeir syndrome type I. Identifiers: Orphanet 994, MedGen C1276035, MONDO:0100101, OMIM 208150, HP:0001989.

Allele frequency attached by ClinVar (database versions not stated): gnomAD 0.00001 and 0.00003; TOPMed 0.00001; ExAC 0.00013; 1000 Genomes Project 0.00020; 1000 Genomes Project 30x 0.00031.
gnomAD v4.1: 64 of 1,611,926 alleles (0.004%); highest among the groups gnomAD compares: South Asian, 0.067%; 1 homozygote.

Submission:

Labcorp Genetics (formerly Invitae), Labcorp
Classification: Uncertain significance for Congenital myasthenic syndrome 10; Fetal akinesia deformation sequence 1. Last evaluated: 2022-05-09. Review status: criteria provided, single submitter. Criteria: Invitae Variant Classification Sherloc (09022015). Collection method: clinical testing. Allele origin: germline.
Comment: This sequence change replaces serine, which is neutral and polar, with glycine, which is neutral and non-polar, at codon 410 of the DOK7 protein (p.Ser410Gly). This variant is present in population databases (rs547633164, gnomAD 0.09%). This variant has not been reported in the literature in individuals affected with DOK7-related conditions. Algorithms developed to predict the effect of missense changes on protein structure and function are either unavailable or do not agree on the potential impact of this missense change (SIFT: "Deleterious"; PolyPhen-2: "Probably Damaging"; Align-GVGD: "Class C0"). In summary, the available evidence is currently insufficient to determine the role of this variant in disease. Therefore, it has been classified as a Variant of Uncertain Significance.

NM_173660.5(DOK7):c.1228A>G (p.Ser410Gly)

Gene: DOK7 (docking protein 7; plus strand). Cytogenetic location: 4p16.3.
Variant type: single nucleotide variant.
Coding change: c.1228A>G on transcript NM_173660.5 (MANE Select); coding-DNA position 1228, A replaced by G.
Protein change: p.Ser410Gly; replaces serine 410 with glycine.
Molecular consequence: missense variant. On other transcripts: 3 prime UTR variant (1).
Genome position (GRCh38, 1-based): chr4:3,493,214, A>G. VCF-style: chr4-3493214-A-G. GRCh37 (hg19) VCF-style: chr4-3494941-A-G.
Other names: c.*449A>G (NM_001164673.2); c.298A>G, p.Ser100Gly (NM_001256896.2); c.1228A>G, p.Ser410Gly (NM_001301071.2); c.796A>G, p.Ser266Gly (NM_001363811.2); short protein forms S100G, S410G, S266G.
Identifiers: ClinVar variation 1440889 (VCV001440889.5), dbSNP rs547633164, ClinGen allele CA2829419.
Genomic context (GRCh38, chr4:3,493,214, plus strand): 5'-CCCGGGACAGTCGAGTACCAGGTGCCCACCTCCCTGCGGGCCCACTATGACACACCACGC[A>G]GCCTTTGCCTGGCTCCTAGAGACCACAGCCCCCCCTCACAGGGCAGCCCCGGCAACAGTG-3'
Protein context (NP_775931.3, residues 400-420): SLRAHYDTPR[Ser410Gly]LCLAPRDHSP